The following is an entry in ClinVar:

ClinVar aggregate classification (germline): Uncertain significance (1 of 4 stars; one submission).

gnomAD v4.1: 8 of 1,613,696 alleles (0.0005%); highest among the groups gnomAD compares: Non-Finnish European, 0.00068%; no homozygotes.

Submission:

Mayo Clinic Laboratories, Mayo Clinic
Classification: Uncertain significance. Last evaluated: 2024-09-13. Review status: criteria provided, single submitter. Criteria: ACMG Guidelines, 2015. Collection method: clinical testing. Allele origin: germline. Observed: 1 variant allele.
Comment: PM2

NM_003560.4(PLA2G6):c.284A>G (p.Tyr95Cys)

Gene: PLA2G6 (phospholipase A2 group VI; minus strand). Cytogenetic location: 22q13.1.
Variant type: single nucleotide variant.
Coding change: c.284A>G on transcript NM_003560.4 (MANE Select); coding-DNA position 284, A replaced by G.
Protein change: p.Tyr95Cys; replaces tyrosine 95 with cysteine.
Molecular consequence: missense variant. On other transcripts: 5 prime UTR variant (3).
Genome position (GRCh38, 1-based): chr22:38,145,579, T>C on the plus strand (A>G on the coding strand, the complement: PLA2G6 is on the minus strand). VCF-style: chr22-38145579-T-C. GRCh37 (hg19) VCF-style: chr22-38541586-T-C.
Other names: p.Tyr95Cys; c.284A>G, p.Tyr95Cys (NM_001004426.3, NM_001199562.3, NM_001349864.2 and 2 more transcripts); c.-251A>G (NM_001349867.2, NM_001349869.2); c.-207A>G (NM_001349868.2); short protein forms Y95C.
Identifiers: ClinVar variation 3380722 (VCV003380722.1).